The following is an entry in ClinVar:

NM_000384.3(APOB):c.2450T>C (p.Ile817Thr)

Gene: APOB (apolipoprotein B; minus strand). Cytogenetic location: 2p24.1.
Variant type: single nucleotide variant.
Coding change: c.2450T>C on transcript NM_000384.3 (MANE Select); coding-DNA position 2450, T replaced by C.
Protein change: p.Ile817Thr; replaces isoleucine 817 with threonine.
Molecular consequence: missense variant.
Genome position (GRCh38, 1-based): chr2:21,023,679, A>G on the plus strand (T>C on the coding strand, the complement: APOB is on the minus strand). VCF-style: chr2-21023679-A-G. GRCh37 (hg19) VCF-style: chr2-21246551-A-G.
Other names: short protein forms I817T.
Identifiers: ClinVar variation 928256 (VCV000928256.4), dbSNP rs1324775693, ClinGen allele CA346011259.

ClinVar aggregate classification (germline): Uncertain significance. Review status: criteria provided, multiple submitters, no conflicts (2 of 4 stars). 2 submissions from 2 submitters: Uncertain significance (2). Last evaluated 2023-11-01.

Conditions:
Cardiovascular phenotype. Identifiers: MedGen CN230736.

Allele frequency attached by ClinVar (database versions not stated): gnomAD exomes below 0.00001; TOPMed 0.00001.
gnomAD v4.1: 3 of 1,611,344 alleles (0.00019%); highest among the groups gnomAD compares: Non-Finnish European, 0.000085%; no homozygotes.

Submissions (2):

Ambry Genetics
Classification: Uncertain significance for Cardiovascular phenotype. Last evaluated: 2023-11-01. Review status: criteria provided, single submitter. Criteria: Ambry Variant Classification Scheme 2023. Collection method: clinical testing. Allele origin: germline.
Comment: The p.I817T variant (also known as c.2450T>C), located in coding exon 17 of the APOB gene, results from a T to C substitution at nucleotide position 2450. The isoleucine at codon 817 is replaced by threonine, an amino acid with similar properties. This amino acid position is conserved. In addition, this alteration is predicted to be tolerated by in silico analysis. Since supporting evidence is limited at this time, the clinical significance of this alteration remains unclear.

GeneDx
Classification: Uncertain significance. Last evaluated: 2022-07-01. Review status: criteria provided, single submitter. Criteria: GeneDx Variant Classification Process June 2021. Collection method: clinical testing. Allele origin: germline. Affected: yes.
Comment: Not observed at significant frequency in large population cohorts (gnomAD); In silico analysis supports that this missense variant has a deleterious effect on protein structure/function; Has not been previously published as pathogenic or benign to our knowledge